The following is an entry in ClinVar:

ClinVar aggregate classification (germline): Uncertain significance (1 of 4 stars; one submission).

Conditions:
Facioscapulohumeral muscular dystrophy 2 (FSHD2). Also called: MUSCULAR DYSTROPHY, FACIOSCAPULOHUMERAL, TYPE 1B; FACIOSCAPULOHUMERAL MUSCULAR DYSTROPHY 2, DIGENIC; FSHD2, DIGENIC. Identifiers: Orphanet 269, MedGen C1834671, MONDO:0008031, OMIM 158901.

gnomAD v4.1: 1 of 1,587,490 alleles (0.000063%); highest among the groups gnomAD compares: Non-Finnish European, 0.000086%; no homozygotes.

Submission:

Labcorp Genetics (formerly Invitae), Labcorp
Classification: Uncertain significance for Facioscapulohumeral muscular dystrophy 2. Last evaluated: 2023-10-10. Review status: criteria provided, single submitter. Criteria: Invitae Variant Classification Sherloc (09022015). Collection method: clinical testing. Allele origin: germline.
Comment: This sequence change affects codon 660 of the SMCHD1 mRNA. It is a 'silent' change, meaning that it does not change the encoded amino acid sequence of the SMCHD1 protein. This variant is not present in population databases (gnomAD no frequency). This variant has not been reported in the literature in individuals affected with SMCHD1-related conditions. ClinVar contains an entry for this variant (Variation ID: 1996973). Algorithms developed to predict the effect of sequence changes on RNA splicing suggest that this variant may disrupt the consensus splice site. In summary, the available evidence is currently insufficient to determine the role of this variant in disease. Therefore, it has been classified as a Variant of Uncertain Significance.

NM_015295.3(SMCHD1):c.1980A>G (p.Glu660=)

Gene: SMCHD1 (structural maintenance of chromosomes flexible hinge domain containing 1; plus strand). Cytogenetic location: 18p11.32.
Variant type: single nucleotide variant.
Coding change: c.1980A>G on transcript NM_015295.3 (MANE Select); coding-DNA position 1980, A replaced by G.
Protein change: p.Glu660=; no amino-acid change (glutamic acid 660 retained).
Molecular consequence: synonymous variant.
Genome position (GRCh38, 1-based): chr18:2,706,387, A>G. VCF-style: chr18-2706387-A-G. GRCh37 (hg19) VCF-style: chr18-2706385-A-G.
Identifiers: ClinVar variation 1996973 (VCV001996973.4), dbSNP rs2510038793, ClinGen allele CA502672322.
Genomic context (GRCh38, chr18:2,706,387, plus strand): 5'-AGTTTTCTTTGAAATGTTGGTAAATGTATTTATTCAGGAACCTCAGGCACTATATGATGA[A>G]GTAAGAACTGTGCCAATTGCAAAGCTGGATAGGACAGTTGCTGAGAAAGCTGTTAAAAAA-3'
Protein context (NP_056110.2, residues 650-670): IAMEPQALYD[Glu660=]VRTVPIAKLD